The following is an entry in ClinVar:

ClinVar aggregate classification (germline): Uncertain significance. Review status: criteria provided, multiple submitters, no conflicts (2 of 4 stars). 2 submissions from 2 submitters: Uncertain significance (2). Last evaluated 2024-04-07.

Conditions:
Hereditary cancer-predisposing syndrome. Also called: Tumor predisposition; Hereditary neoplastic syndrome; Neoplastic Syndromes, Hereditary; Hereditary Cancer Syndrome. Identifiers: Orphanet 140162, MedGen C0027672, MeSH D009386, MONDO:0015356.

Submissions (2):

Ambry Genetics
Classification: Uncertain significance for Hereditary cancer-predisposing syndrome. Last evaluated: 2024-04-07. Review status: criteria provided, single submitter. Criteria: Ambry Variant Classification Scheme 2023. Collection method: clinical testing. Allele origin: germline.
Comment: The p.L542V variant (also known as c.1624T>G), located in coding exon 11 of the MSH3 gene, results from a T to G substitution at nucleotide position 1624. The leucine at codon 542 is replaced by valine, an amino acid with highly similar properties. This amino acid position is well conserved in available vertebrate species. In addition, the in silico prediction for this alteration is inconclusive. Since supporting evidence is limited at this time, the clinical significance of this alteration remains unclear.

Labcorp Genetics (formerly Invitae), Labcorp
Classification: Uncertain significance. Last evaluated: 2021-09-10. Review status: criteria provided, single submitter. Criteria: Invitae Variant Classification Sherloc (09022015). Collection method: clinical testing. Allele origin: germline.
Comment: Algorithms developed to predict the effect of sequence changes on RNA splicing suggest that this variant may create or strengthen a splice site. In summary, the available evidence is currently insufficient to determine the role of this variant in disease. Therefore, it has been classified as a Variant of Uncertain Significance. Algorithms developed to predict the effect of missense changes on protein structure and function are either unavailable or do not agree on the potential impact of this missense change (SIFT: "Deleterious"; PolyPhen-2: "Benign"; Align-GVGD: "Class C0"). This sequence change replaces leucine with valine at codon 542 of the MSH3 protein (p.Leu542Val). The leucine residue is highly conserved and there is a small physicochemical difference between leucine and valine. This variant is not present in population databases (ExAC no frequency). This variant has not been reported in the literature in individuals affected with MSH3-related conditions.

NM_002439.5(MSH3):c.1624T>G (p.Leu542Val)

Gene: MSH3 (mutS homolog 3; plus strand). Cytogenetic location: 5q14.1.
Variant type: single nucleotide variant.
Coding change: c.1624T>G on transcript NM_002439.5 (MANE Select); coding-DNA position 1624, T replaced by G.
Protein change: p.Leu542Val; replaces leucine 542 with valine.
Molecular consequence: missense variant.
Genome position (GRCh38, 1-based): chr5:80,741,519, T>G. VCF-style: chr5-80741519-T-G. GRCh37 (hg19) VCF-style: chr5-80037338-T-G.
Other names: short protein forms L542V.
Identifiers: ClinVar variation 861684 (VCV000861684.11), dbSNP rs1743613658, ClinGen allele CA360274537.